The following is an entry in ClinVar:

ClinVar aggregate classification (germline): Uncertain significance. Review status: criteria provided, single submitter (1 of 4 stars). 2 submissions from 2 submitters: Uncertain significance (1). 1 of the submissions does not count toward it. Last evaluated 2022-06-28.

Conditions:
Mucopolysaccharidosis, MPS-III-B (MPS3B). Also called: SANFILIPPO SYNDROME B; MPS III B; MUCOPOLYSACCHARIDOSIS, TYPE IIIB; Mucopolysaccharidosis type IIIB (Sanfilippo B); MPS IIIB (Sanfilippo Syndrome Type B); N-ACETYL-ALPHA-D-GLUCOSAMINIDASE DEFICIENCY. Identifiers: Orphanet 79270, MedGen C0086648, MONDO:0009656, OMIM 252920.
Charcot-Marie-Tooth disease axonal type 2V. Also called: CHARCOT-MARIE-TOOTH NEUROPATHY, TYPE 2V; CHARCOT-MARIE-TOOTH DISEASE, AXONAL, AUTOSOMAL DOMINANT, TYPE 2V. Identifiers: Orphanet 447964, MedGen C5569050, MONDO:0014665, OMIM 616491.

Allele frequency attached by ClinVar (database versions not stated): gnomAD exomes below 0.00001; TOPMed below 0.00001; gnomAD 0.00001.

Submissions (2):

Labcorp Genetics (formerly Invitae), Labcorp
Classification: Uncertain significance for Charcot-Marie-Tooth disease axonal type 2V; Mucopolysaccharidosis, MPS-III-B. Last evaluated: 2022-06-28. Review status: criteria provided, single submitter. Criteria: Invitae Variant Classification Sherloc (09022015). Collection method: clinical testing. Allele origin: germline.
Comment: This variant, c.423_425del, results in the deletion of 1 amino acid(s) of the NAGLU protein (p.Phe142del), but otherwise preserves the integrity of the reading frame. This variant is not present in population databases (gnomAD no frequency). This variant has been observed in individual(s) with mucopolysaccharidosis type IIIB (PMID: 9950362). ClinVar contains an entry for this variant (Variation ID: 552133). Experimental studies and prediction algorithms are not available or were not evaluated, and the functional significance of this variant is currently unknown. In summary, the available evidence is currently insufficient to determine the role of this variant in disease. Therefore, it has been classified as a Variant of Uncertain Significance.

Counsyl
Classification: Uncertain significance for Mucopolysaccharidosis, MPS-III-B. Last evaluated: 2017-05-23. Review status: no assertion criteria provided. Collection method: clinical testing. Allele origin: unknown. Not counted in ClinVar's aggregate classification.

Literature cited by the submitters: PubMed 9950362 (cited by Labcorp Genetics (formerly Invitae), Labcorp and Counsyl).

NM_000263.4(NAGLU):c.423_425del (p.Phe142del)

Gene: NAGLU (N-acetyl-alpha-glucosaminidase; plus strand). Cytogenetic location: 17q21.2.
Variant type: Deletion.
Coding change: c.423_425del on transcript NM_000263.4 (MANE Select); coding-DNA positions 423 to 425, 3 bases deleted (TTT; older notation c.423_425delTTT).
Protein change: p.Phe142del; deletes phenylalanine 142.
Molecular consequence: inframe deletion.
Genome position (GRCh38, 1-based): chr17:42,537,437-42,537,439, TTT deleted. VCF-style (leftmost placement, unchanged base first): chr17-42537436-CTTT-C. GRCh37 (hg19) VCF-style: chr17-40689454-CTTT-C.
Other names: short protein forms F142del.
Identifiers: ClinVar variation 552133 (VCV000552133.4), dbSNP rs1555621579, ClinGen allele CA658823949.